The following is an entry in ClinVar:

ClinVar aggregate classification (germline): Uncertain significance (1 of 4 stars; one submission).

Allele frequency attached by ClinVar (database versions not stated): gnomAD exomes below 0.00001 and 0.00001; ExAC 0.00001; gnomAD 0.00001; TOPMed 0.00001.
gnomAD v4.1: 9 of 1,613,158 alleles (0.00056%); highest among the groups gnomAD compares: African/African-American, 0.0027%; no homozygotes.

Submission:

Labcorp Genetics (formerly Invitae), Labcorp
Classification: Uncertain significance. Last evaluated: 2021-08-28. Review status: criteria provided, single submitter. Criteria: Invitae Variant Classification Sherloc (09022015). Collection method: clinical testing. Allele origin: germline.
Comment: This sequence change replaces glutamine with arginine at codon 152 of the SERPINH1 protein (p.Gln152Arg). The glutamine residue is moderately conserved and there is a small physicochemical difference between glutamine and arginine. This variant is present in population databases (rs768946201, ExAC 0.002%). This variant has not been reported in the literature in individuals affected with SERPINH1-related conditions. Advanced modeling of protein sequence and biophysical properties (such as structural, functional, and spatial information, amino acid conservation, physicochemical variation, residue mobility, and thermodynamic stability) performed at Invitae indicates that this missense variant is not expected to disrupt SERPINH1 protein function. In summary, the available evidence is currently insufficient to determine the role of this variant in disease. Therefore, it has been classified as a Variant of Uncertain Significance.

NM_001235.5(SERPINH1):c.455A>G (p.Gln152Arg)

Gene: SERPINH1 (serpin family H member 1; plus strand). Cytogenetic location: 11q13.5.
Variant type: single nucleotide variant.
Coding change: c.455A>G on transcript NM_001235.5 (MANE Select); coding-DNA position 455, A replaced by G.
Protein change: p.Gln152Arg; replaces glutamine 152 with arginine.
Molecular consequence: missense variant.
Genome position (GRCh38, 1-based): chr11:75,566,804, A>G. VCF-style: chr11-75566804-A-G. GRCh37 (hg19) VCF-style: chr11-75277849-A-G.
Other names: c.455A>G, p.Gln152Arg (NM_001207014.3); short protein forms Q152R.
Identifiers: ClinVar variation 1513698 (VCV001513698.3), dbSNP rs768946201, ClinGen allele CA6190816.
Genomic context (GRCh38, chr11:75,566,804, plus strand): 5'-GCCGACTGTACGGACCCAGCTCAGTGAGCTTCGCTGATGACTTCGTGCGCAGCAGCAAGC[A>G]GCACTACAACTGCGAGCACTCCAAGATCAACTTCCGCGACAAGCGCAGCGCGCTGCAGTC-3'
Protein context (NP_001226.2, residues 142-162): FADDFVRSSK[Gln152Arg]HYNCEHSKIN